The following is an entry in ClinVar:

NM_000548.5(TSC2):c.3454A>G (p.Ser1152Gly)

Gene: TSC2 (TSC complex subunit 2; plus strand). Cytogenetic location: 16p13.3.
Variant type: single nucleotide variant.
Coding change: c.3454A>G on transcript NM_000548.5 (MANE Select); coding-DNA position 3454, A replaced by G.
Protein change: p.Ser1152Gly; replaces serine 1152 with glycine.
Molecular consequence: missense variant.
Genome position (GRCh38, 1-based): chr16:2,080,221, A>G. VCF-style: chr16-2080221-A-G. GRCh37 (hg19) VCF-style: chr16-2130222-A-G.
Other names: c.3322A>G, p.Ser1108Gly (NM_001077183.3, NM_001370404.1); c.3454A>G, p.Ser1152Gly (NM_001114382.3); c.3214A>G, p.Ser1072Gly (NM_001318827.2); c.3178A>G, p.Ser1060Gly (NM_001318829.2); c.2722A>G, p.Ser908Gly (NM_001318831.2); c.3355A>G, p.Ser1119Gly (NM_001318832.2); c.3325A>G, p.Ser1109Gly (NM_001363528.2, NM_001370405.1, NM_021055.3); short protein forms S1060G, S1072G, S1108G, S1109G, S1119G, S1152G, S908G.
Identifiers: ClinVar variation 1305393 (VCV001305393.15), dbSNP rs772215032, ClinGen allele CA276746678.
Genomic context (GRCh38, chr16:2,080,221, plus strand): 5'-TCAGGGGGCCATGGTCTTCGAGTTGGCGCCCTGGACGTGCCGGCCTCCCAGTTCCTGGGC[A>G]GTGCCACTTCTCCAGGACCACGGACTGCACCAGCCGCGAAACCTGAGAAGGCCTCAGCTG-3'
Protein context (NP_000539.2, residues 1142-1162): LDVPASQFLG[Ser1152Gly]ATSPGPRTAP

ClinVar aggregate classification (germline): Conflicting classifications of pathogenicity. Review status: criteria provided, conflicting classifications (1 of 4 stars). 5 submissions from 5 submitters: Uncertain significance (4); Likely benign (1). Last evaluated 2026-04-20.

Conditions:
Tuberous sclerosis syndrome (TSC). Also called: Tuberous Sclerosis Complex; Tuberous sclerosis. Identifiers: Orphanet 805, MedGen C0041341, MONDO:0001734.
Hereditary cancer-predisposing syndrome. Also called: Hereditary Cancer Syndrome; Hereditary neoplastic syndrome; Neoplastic Syndromes, Hereditary; Tumor predisposition. Identifiers: Orphanet 140162, MedGen C0027672, MeSH D009386, MONDO:0015356.
Tuberous sclerosis 2 (TSC2). Identifiers: Orphanet 805, MedGen C1860707, MONDO:0013199, OMIM 613254.

Submissions (5):

Women's Health and Genetics/Laboratory Corporation of America, LabCorp
Classification: Uncertain significance. Last evaluated: 2026-04-20. Review status: criteria provided, single submitter. Criteria: LabCorp Variant Classification Summary - May 2015. Collection method: clinical testing. Allele origin: germline.
Comment: Variant summary: TSC2 c.3454A>G (p.Ser1152Gly) results in a non-conservative amino acid change in the encoded protein sequence. Algorithms developed to predict the effect of missense changes on protein structure and function are either unavailable or do not agree on the potential impact of this missense change. The variant was absent in 250218 control chromosomes. The available data on variant occurrences in the general population are insufficient to allow any conclusion about variant significance. To our knowledge, no occurrence of c.3454A>G in individuals affected with TSC2-related conditions and no experimental evidence demonstrating its impact on protein function have been reported. ClinVar contains an entry for this variant (Variation ID: 1305393). Based on the evidence outlined above, the variant was classified as uncertain significance.

Labcorp Genetics (formerly Invitae), Labcorp
Classification: Uncertain significance for Tuberous sclerosis 2. Last evaluated: 2025-10-24. Review status: criteria provided, single submitter. Criteria: Invitae Variant Classification Sherloc (09022015). Collection method: clinical testing. Allele origin: germline.
Comment: This sequence change replaces serine, which is neutral and polar, with glycine, which is neutral and non-polar, at codon 1152 of the TSC2 protein (p.Ser1152Gly). This variant is not present in population databases (gnomAD no frequency). This variant has not been reported in the literature in individuals affected with TSC2-related conditions. ClinVar contains an entry for this variant (Variation ID: 1305393). Invitae Evidence Modeling of protein sequence and biophysical properties (such as structural, functional, and spatial information, amino acid conservation, physicochemical variation, residue mobility, and thermodynamic stability) indicates that this missense variant is not expected to disrupt TSC2 protein function with a negative predictive value of 95%. In summary, the available evidence is currently insufficient to determine the role of this variant in disease. Therefore, it has been classified as a Variant of Uncertain Significance.

All of Us Research Program, National Institutes of Health
Classification: Uncertain significance for Tuberous sclerosis syndrome. Last evaluated: 2024-01-11. Review status: criteria provided, single submitter. Criteria: ACMG Guidelines, 2015. Collection method: clinical testing. Allele origin: germline. Inheritance: Autosomal dominant inheritance. Observed: 3 variant alleles, 3 heterozygotes.
Comment: This missense variant replaces serine with glycine at codon 1152 of the TSC2 protein. Computational prediction suggests that this variant may not impact protein structure and function (internally defined REVEL score threshold <= 0.5, PMID: 27666373). To our knowledge, functional studies have not been reported for this variant. This variant has not been reported in individuals affected with tuberous sclerosis complex in the literature. This variant has not been identified in the general population by the Genome Aggregation Database (gnomAD). The available evidence is insufficient to determine the role of this variant in disease conclusively. Therefore, this variant is classified as a Variant of Uncertain Significance.

This study involves interpretation of variants in research participants for the purpose of population health screening. Participant phenotype was not available at the time of variant classification. Additional details can be found in publication PMID: 35346344, PMCID: PMC8962531

Ambry Genetics
Classification: Likely benign for Hereditary cancer-predisposing syndrome. Last evaluated: 2022-11-30. Review status: criteria provided, single submitter. Criteria: Ambry Variant Classification Scheme 2023. Collection method: clinical testing. Allele origin: germline.

GeneDx
Classification: Uncertain significance. Last evaluated: 2019-04-25. Review status: criteria provided, single submitter. Criteria: GeneDx Variant Classification Process June 2021. Collection method: clinical testing. Allele origin: germline. Affected: yes.
Comment: Not observed in large population cohorts (Lek et al., 2016); In silico analysis, which includes protein predictors and evolutionary conservation, supports that this variant does not alter protein structure/function; Has not been previously published as pathogenic or benign to our knowledge